The following is an entry in ClinVar:

NM_001142800.2(EYS):c.749-1G>A

Gene: EYS (EGF-like photoreceptor maintenance factor; minus strand). Cytogenetic location: 6q12.
Variant type: single nucleotide variant.
Coding change: c.749-1G>A on transcript NM_001142800.2 (MANE Select); the canonical splice acceptor site of the intron before coding-DNA position 749, G replaced by A.
Molecular consequence: splice acceptor variant.
Genome position (GRCh38, 1-based): chr6:65,490,708, C>T on the plus strand (G>A on the coding strand, the complement: EYS is on the minus strand). VCF-style: chr6-65490708-C-T. GRCh37 (hg19) VCF-style: chr6-66200601-C-T.
Other names: c.749-1G>A (NM_001292009.2, NM_001142801.2, NM_198283.2).
Identifiers: ClinVar variation 946544 (VCV000946544.13), dbSNP rs368159852, ClinGen allele CA3877992.
Genomic context (GRCh38, chr6:65,490,708, plus strand): 5'-AGTTTCCATGGAAACAGACATGTGGTTGACACTGGCCAATTATTTCTGAGCAATTCTTTC[C>T]TATAACAATGAAAAAAAGTTTTTTTTACATTGGATATCAATATTATAACCATCAGTTTTC-3'

ClinVar aggregate classification (germline): Likely pathogenic. Review status: criteria provided, multiple submitters, no conflicts (2 of 4 stars). 3 submissions from 3 submitters: Likely pathogenic (2). 1 of the submissions does not count toward it. Last evaluated 2023-12-11.

Conditions:
EYS-related disorder. Also called: EYS-related condition.
Retinitis pigmentosa 25 (RP25). Identifiers: Orphanet 791, MedGen C1864446, MONDO:0011272, OMIM 602772.

Allele frequency attached by ClinVar (database versions not stated): TOPMed 0.00001.
gnomAD v4.1: 64 of 1,605,036 alleles (0.004%); highest among the groups gnomAD compares: Non-Finnish European, 0.0053%; no homozygotes.

Submissions (3):

Blueprint Genetics
Classification: Likely pathogenic for EYS-related disorders. Last evaluated: 2023-12-11. Review status: criteria provided, single submitter. Criteria: ACMG Guidelines, 2015. Collection method: clinical testing. Allele origin: germline. Affected: yes. Observed: 2 variant alleles.

Labcorp Genetics (formerly Invitae), Labcorp
Classification: Likely pathogenic. Last evaluated: 2023-10-06. Review status: criteria provided, single submitter. Criteria: Invitae Variant Classification Sherloc (09022015). Collection method: clinical testing. Allele origin: germline.
Comment: This sequence change affects an acceptor splice site in intron 4 of the EYS gene. It is expected to disrupt RNA splicing. Variants that disrupt the donor or acceptor splice site typically lead to a loss of protein function (PMID: 16199547), and loss-of-function variants in EYS are known to be pathogenic (PMID: 18836446, 20333770). This variant is present in population databases (rs368159852, gnomAD 0.007%). This variant has not been reported in the literature in individuals affected with EYS-related conditions. ClinVar contains an entry for this variant (Variation ID: 946544). Algorithms developed to predict the effect of sequence changes on RNA splicing suggest that this variant may disrupt the consensus splice site. In summary, the currently available evidence indicates that the variant is pathogenic, but additional data are needed to prove that conclusively. Therefore, this variant has been classified as Likely Pathogenic.

Natera, Inc.
Classification: Likely pathogenic for Retinitis pigmentosa type 25. Last evaluated: 2021-03-13. Review status: no assertion criteria provided. Collection method: clinical testing. Allele origin: germline. Not counted in ClinVar's aggregate classification.

Literature cited by the submitters: PubMed 16199547 (cited by Labcorp Genetics (formerly Invitae), Labcorp); PubMed 18836446 (cited by Labcorp Genetics (formerly Invitae), Labcorp); PubMed 20333770 (cited by Labcorp Genetics (formerly Invitae), Labcorp).